The following is an entry in ClinVar:

NM_144991.3(TSPEAR):c.1785AGA[1] (p.Glu596del)

Gene: TSPEAR (thrombospondin type laminin G domain and EAR repeats; minus strand). Cytogenetic location: 21q22.3.
Variant type: Microsatellite.
Coding change: c.1785AGA[1] on transcript NM_144991.3 (MANE Select); one copy of the 3-base unit AGA starting at c.1785; the reference has two copies in a row; one copy, 3 bases deleted; also written c.1788_1790del.
Protein change: p.Glu596del; deletes glutamic acid 596.
Molecular consequence: inframe deletion.
Genome position (GRCh38, 1-based): chr21:44,504,846-44,504,848, TCT deleted on the plus strand (AGA on the coding strand, the reverse complement: TSPEAR is on the minus strand); deleting any 3 consecutive bases within chr21:44,504,846-44,504,851 gives the same sequence; the position shown is the placement nearest the transcript's 3' end. VCF-style (leftmost placement, unchanged base first): chr21-44504845-ATCT-A. GRCh37 (hg19) VCF-style: chr21-45924728-ATCT-A.
Other names: c.1788_1790del (NM_144991.2, NM_144991.3); c.1581AGA[1], p.Glu528del (NM_001272037.2); c.1788_1790delAGA (NM_144991.2, NM_144991.3); short protein forms E528del, E596del.
Identifiers: ClinVar variation 1705559 (VCV001705559.13), dbSNP rs782084367, ClinGen allele CA10056325.

ClinVar aggregate classification (germline): Pathogenic/Likely pathogenic. Review status: criteria provided, multiple submitters, no conflicts (2 of 4 stars). 6 submissions from 6 submitters: Pathogenic (3); Likely pathogenic (2). 1 of the submissions does not count toward it. Last evaluated 2026-05-07.

Conditions:
TSPEAR-related disorder. Also called: TSPEAR-related condition.
Inborn genetic diseases. Identifiers: MedGen C0950123, MeSH D030342.
Ectodermal dysplasia 14, hair/tooth type with or without hypohidrosis. Identifiers: Orphanet 685067, MedGen C4748560, MONDO:0032584, OMIM 618180.

Submissions (6):

Ambry Genetics
Classification: Pathogenic for Inborn genetic diseases. Last evaluated: 2026-05-07. Review status: criteria provided, single submitter. Criteria: Ambry Variant Classification Scheme 2023. Collection method: clinical testing. Allele origin: germline.
Comment: The c.1788_1790delAGA (p.E596del) variant, located in exon 11 (coding exon 11) of the TSPEAR gene, results from an in-frame deletion of 3 nucleotides at positions c.1788 to c.1790. This results in the deletion of a glutamic acid residue at codon 596. Based on data from gnomAD, this allele has an overall frequency of 0.012% (34/282466) total alleles studied. The highest observed frequency was 0.116% (12/10368) of Ashkenazi Jewish alleles. This variant has been identified in the homozygous state and/or in conjunction with other TSPEAR variant(s) in individual(s) with features consistent with TSPEAR-related ectodermal dysplasia; in at least one instance, the variants were identified in trans (Rabie, 2022; Jackson, 2023). This amino acid position is well conserved in available vertebrate species. This variant is predicted to be deleterious by in silico analysis (Choi, 2012). Based on the available evidence, this alteration is classified as pathogenic.

GeneDx
Classification: Pathogenic. Last evaluated: 2026-01-27. Review status: criteria provided, single submitter. Criteria: GeneDx Variant Classification Process June 2021. Collection method: clinical testing. Allele origin: germline. Affected: yes.
Comment: In-frame deletion of 1 amino acid(s) in a non-repeat region; In silico analysis supports a deleterious effect on protein structure/function; This variant is associated with the following publications: (PMID: 37009414, 35741818)

Labcorp Genetics (formerly Invitae), Labcorp
Classification: Pathogenic. Last evaluated: 2025-10-26. Review status: criteria provided, single submitter. Criteria: Invitae Variant Classification Sherloc (09022015). Collection method: clinical testing. Allele origin: germline.
Comment: This variant, c.1788_1790del, results in the deletion of 1 amino acid(s) of the TSPEAR protein (p.Glu596del), but otherwise preserves the integrity of the reading frame. This variant is present in population databases (rs782084367, gnomAD 0.1%). This variant has been observed in individuals with ectodermal dysplasia (PMID: 35741818). It has also been observed to segregate with disease in related individuals. ClinVar contains an entry for this variant (Variation ID: 1705559). Experimental studies and prediction algorithms are not available or were not evaluated, and the functional significance of this variant is currently unknown. For these reasons, this variant has been classified as Pathogenic.

3billion
Classification: Likely pathogenic for Ectodermal dysplasia 14, hair/tooth type with or without hypohidrosis. Last evaluated: 2025-06-13. Review status: criteria provided, single submitter. Criteria: ACMG Guidelines, 2015. Collection method: clinical testing. Allele origin: germline. Affected: yes.
Comment: The variant is observed at an extremely low frequency in the gnomAD v4.1.0 dataset (total allele frequency: 0.009%). Predicted Consequence/Location: Inframe deletion located in a nonrepeat region: predicted to change the length of the protein and disrupt normal protein function. The variant has been reported at least twice as pathogenic with clinical assertions and evidence for the classification (ClinVar ID: VCV001705559 /PMID: 35741818 /3billion dataset). Therefore, this variant is classified as Likely pathogenic according to the recommendation of ACMG/AMP guideline.

Blueprint Genetics
Classification: Likely pathogenic for TSPEAR-related disorders. Last evaluated: 2024-10-24. Review status: criteria provided, single submitter. Criteria: ACMG Guidelines, 2015. Collection method: clinical testing. Allele origin: germline. Affected: yes. Observed: 4 variant alleles.

OMIM
Classification: Pathogenic for ECTODERMAL DYSPLASIA 14, HAIR/TOOTH TYPE, WITHOUT HYPOHIDROSIS. Last evaluated: 2022-12-05. Review status: no assertion criteria provided. Collection method: literature only. Allele origin: germline. Not counted in ClinVar's aggregate classification.

Literature cited by the submitters: PubMed 35741818 (cited by 4 submitters); PubMed 37009414 (cited by Ambry Genetics).